The following is an entry in ClinVar:

ClinVar aggregate classification (germline): Likely benign (0 of 4 stars; one submission).

Conditions:
PRICKLE1-related disorder. Also called: PRICKLE1-Related Disorders; PRICKLE1-related condition. Identifiers: MedGen CN381536.

gnomAD v4.1: 4 of 1,613,972 alleles (0.00025%); highest among the groups gnomAD compares: Non-Finnish European, 0.00025%; no homozygotes.

Submission:

PreventionGenetics, part of Exact Sciences
Classification: Likely benign for PRICKLE1-related condition. Last evaluated: 2019-09-06. Review status: no assertion criteria provided. Collection method: clinical testing. Allele origin: germline.
Comment: This variant is classified as likely benign based on ACMG/AMP sequence variant interpretation guidelines (Richards et al. 2015 PMID: 25741868, with internal and published modifications).

NM_153026.3(PRICKLE1):c.1440G>A (p.Leu480=)

Gene: PRICKLE1 (prickle planar cell polarity protein 1; minus strand). Cytogenetic location: 12q12.
Variant type: single nucleotide variant.
Coding change: c.1440G>A on transcript NM_153026.3 (MANE Select); coding-DNA position 1440, G replaced by A.
Protein change: p.Leu480=; no amino-acid change (leucine 480 retained).
Molecular consequence: synonymous variant.
Genome position (GRCh38, 1-based): chr12:42,464,594, C>T on the plus strand (G>A on the coding strand, the complement: PRICKLE1 is on the minus strand). VCF-style: chr12-42464594-C-T. GRCh37 (hg19) VCF-style: chr12-42858396-C-T.
Other names: c.1440G>A, p.Leu480= (NM_001144881.2, NM_001144882.2, NM_001144883.2).
Identifiers: ClinVar variation 3052554 (VCV003052554.2), dbSNP rs367822804, ClinGen allele CA479393019.